The following is an entry in ClinVar:

ClinVar aggregate classification (germline): Uncertain significance. Review status: criteria provided, multiple submitters, no conflicts (2 of 4 stars). 3 submissions from 3 submitters: Uncertain significance (3). Last evaluated 2025-04-17.

Conditions:
Cardiovascular phenotype. Identifiers: MedGen CN230736.
RASopathy. Also called: rasopathies; Noonan spectrum disorder. Identifiers: Orphanet 536391, MedGen C5555857, MONDO:0021060.

Allele frequency attached by ClinVar (database versions not stated): gnomAD exomes below 0.00001; TOPMed below 0.00001.
gnomAD v4.1: 4 of 1,614,070 alleles (0.00025%); highest among the groups gnomAD compares: African/African-American, 0.0053%; no homozygotes.

Submissions (3):

Ambry Genetics
Classification: Uncertain significance for Cardiovascular phenotype. Last evaluated: 2025-04-17. Review status: criteria provided, single submitter. Criteria: Ambry Variant Classification Scheme 2023. Collection method: clinical testing. Allele origin: germline.
Comment: The c.207+5G>T intronic variant results from a G to T substitution 5 nucleotides after coding exon 1 in the RAF1 gene. This nucleotide position is highly conserved in available vertebrate species. In silico splice site analysis predicts that this alteration may weaken the native splice donor site. Based on the available evidence, the clinical significance of this variant remains unclear.

Labcorp Genetics (formerly Invitae), Labcorp
Classification: Uncertain significance for RASopathy. Last evaluated: 2024-12-25. Review status: criteria provided, single submitter. Criteria: Invitae Variant Classification Sherloc (09022015). Collection method: clinical testing. Allele origin: germline.
Comment: This sequence change falls in intron 2 of the RAF1 gene. It does not directly change the encoded amino acid sequence of the RAF1 protein. It affects a nucleotide within the consensus splice site. This variant is present in population databases (no rsID available, gnomAD 0.007%). This variant has not been reported in the literature in individuals affected with RAF1-related conditions. ClinVar contains an entry for this variant (Variation ID: 1198313). Variants that disrupt the consensus splice site are a relatively common cause of aberrant splicing (PMID: 17576681, 9536098). Algorithms developed to predict the effect of sequence changes on RNA splicing suggest that this variant may disrupt the consensus splice site. In summary, the available evidence is currently insufficient to determine the role of this variant in disease. Therefore, it has been classified as a Variant of Uncertain Significance.

GeneDx
Classification: Uncertain significance. Last evaluated: 2019-12-18. Review status: criteria provided, single submitter. Criteria: GeneDx Variant Classification Process June 2021. Collection method: clinical testing. Allele origin: germline. Affected: yes.
Comment: Has not been previously published as pathogenic or benign to our knowledge; In silico analysis, which includes splice predictors and evolutionary conservation, supports a deleterious effect

Literature cited by the submitters: PubMed 17576681 (cited by Labcorp Genetics (formerly Invitae), Labcorp); PubMed 9536098 (cited by Labcorp Genetics (formerly Invitae), Labcorp).

NM_002880.4(RAF1):c.207+5G>T

Gene: RAF1 (Raf-1 proto-oncogene, serine/threonine kinase; minus strand). Cytogenetic location: 3p25.2.
Variant type: single nucleotide variant.
Coding change: c.207+5G>T on transcript NM_002880.4 (MANE Select); 5 bases into the intron after coding-DNA position 207, G replaced by T.
Molecular consequence: intron variant.
Genome position (GRCh38, 1-based): chr3:12,618,510, C>A on the plus strand (G>T on the coding strand, the complement: RAF1 is on the minus strand). VCF-style: chr3-12618510-C-A. GRCh37 (hg19) VCF-style: chr3-12660009-C-A.
Other names: c.77+5G>T (NM_001354695.3, NM_001354692.3, NM_001354694.3 and 1 more transcripts); c.207+5G>T (NM_001354693.3, NM_001354689.3, NM_001354690.3 and 1 more transcripts).
Identifiers: ClinVar variation 1198313 (VCV001198313.5), dbSNP rs1446781544, ClinGen allele CA541253535.
Genomic context (GRCh38, chr3:12,618,510, plus strand): 5'-ATGATCCTTAATGTGCTCCACAGGCAGATAAATAGCTAAATTTCCTAAGTAGAATGTTCA[C>A]ATACCACTGTTCTTTGCTTGTTCGGCAAGAAAACACGGATAGTGTTGCTTGTCTTAGAAG-3'